The following is an entry in ClinVar:

ClinVar aggregate classification (germline): Benign (1 of 4 stars; one submission).

Conditions:
Frontotemporal dementia and/or amyotrophic lateral sclerosis 1 (FTDALS1). Also called: C9orf72 Frontotemporal Dementia and/or Amyotrophic Lateral Sclerosis; Frontotemporal dementia with motor neuron disease 1. Identifiers: Orphanet 275872, MedGen C5779877, MONDO:0007105, OMIM 105550.

Allele frequency attached by ClinVar (database versions not stated): gnomAD exomes 0.00026 and 0.00062; ExAC 0.00087; ESP Exome Variant Server 0.00308; gnomAD 0.00312 and 0.00334; 1000 Genomes Project 0.00319; TOPMed 0.00336; 1000 Genomes Project 30x 0.00375.
gnomAD v4.1: 865 of 1,590,578 alleles (0.054%); highest among the groups gnomAD compares: African/African-American, 1.1%; 5 homozygotes.

Submission:

Illumina Laboratory Services, Illumina
Classification: Benign for Frontotemporal dementia and/or amyotrophic lateral sclerosis 1. Last evaluated: 2018-01-13. Review status: criteria provided, single submitter. Criteria: ICSL Variant Classification Criteria 13 December 2019. Collection method: clinical testing. Allele origin: germline.
Comment: This variant was observed in the ICSL laboratory as part of a predisposition screen in an ostensibly healthy population. It had not been previously curated by ICSL or reported in the Human Gene Mutation Database (HGMD: prior to June 1st, 2018), and was therefore a candidate for classification through an automated scoring system. Utilizing variant allele frequency, disease prevalence and penetrance estimates, and inheritance mode, an automated score was calculated to assess if this variant is too frequent to cause the disease. Based on the score and internal cut-off values, a variant classified as benign is not then subjected to further curation. The score for this variant resulted in a classification of benign for this disease.

NM_018325.5(C9orf72):c.528T>C (p.Leu176=)

Gene: C9orf72 (C9orf72-SMCR8 complex subunit; minus strand). Cytogenetic location: 9p21.2.
Variant type: single nucleotide variant.
Coding change: c.528T>C on transcript NM_018325.5 (MANE Select); coding-DNA position 528, T replaced by C.
Protein change: p.Leu176=; no amino-acid change (leucine 176 retained).
Molecular consequence: synonymous variant.
Genome position (GRCh38, 1-based): chr9:27,562,453, A>G on the plus strand (T>C on the coding strand, the complement: C9orf72 is on the minus strand). VCF-style: chr9-27562453-A-G. GRCh37 (hg19) VCF-style: chr9-27562451-A-G.
Other names: c.528T>C, p.Leu176= (NM_001256054.3, NM_145005.7).
Identifiers: ClinVar variation 914441 (VCV000914441.4), dbSNP rs34608611, ClinGen allele CA5017931.